The following is an entry in ClinVar:

NM_012213.3(MLYCD):c.1472G>T (p.Ser491Ile)

Gene: MLYCD (malonyl-CoA decarboxylase; plus strand). Cytogenetic location: 16q23.3.
Variant type: single nucleotide variant.
Coding change: c.1472G>T on transcript NM_012213.3 (MANE Select); coding-DNA position 1472, G replaced by T.
Protein change: p.Ser491Ile; replaces serine 491 with isoleucine.
Molecular consequence: missense variant.
Genome position (GRCh38, 1-based): chr16:83,915,479, G>T. VCF-style: chr16-83915479-G-T. GRCh37 (hg19) VCF-style: chr16-83949084-G-T.
Other names: short protein forms S491I.
Identifiers: ClinVar variation 886367 (VCV000886367.5), dbSNP rs751002859, ClinGen allele CA8197647.

ClinVar aggregate classification (germline): Uncertain significance. Review status: criteria provided, multiple submitters, no conflicts (2 of 4 stars). 2 submissions from 2 submitters: Uncertain significance (2). Last evaluated 2026-01-05.

Conditions:
Inborn genetic diseases. Identifiers: MedGen C0950123, MeSH D030342.
Deficiency of malonyl-CoA decarboxylase. Also called: Malonic aciduria; MCD deficiency. Identifiers: Orphanet 943, MedGen C0342793, MONDO:0009556, OMIM 248360.

Allele frequency attached by ClinVar (database versions not stated): gnomAD 0.00001 and 0.00003; TOPMed 0.00002; gnomAD exomes 0.00006 and 0.00011; ExAC 0.00017.
gnomAD v4.1: 93 of 1,611,444 alleles (0.0058%); highest among the groups gnomAD compares: South Asian, 0.06%; no homozygotes.

Submissions (2):

Ambry Genetics
Classification: Uncertain significance for Inborn genetic diseases. Last evaluated: 2026-01-05. Review status: criteria provided, single submitter. Criteria: Ambry Variant Classification Scheme 2023. Collection method: clinical testing. Allele origin: germline.
Comment: The c.1472G>T (p.S491I) alteration is located in exon 5 (coding exon 5) of the MLYCD gene. This alteration results from a G to T substitution at nucleotide position 1472, causing the serine (S) at amino acid position 491 to be replaced by an isoleucine (I). Based on data from gnomAD, the T allele has an overall frequency of 0.01% (28/274210) total alleles studied. The highest observed frequency was 0.072% (22/30500) of South Asian alleles. Based on insufficient or conflicting evidence, the clinical significance of this alteration remains unclear.

Illumina Laboratory Services, Illumina
Classification: Uncertain significance for Deficiency of malonyl-CoA decarboxylase. Last evaluated: 2018-01-13. Review status: criteria provided, single submitter. Criteria: ICSL Variant Classification Criteria 13 December 2019. Collection method: clinical testing. Allele origin: germline.